The following is an entry in ClinVar:

ClinVar aggregate classification (germline): Uncertain significance (1 of 4 stars; one submission).

Conditions:
Cardiomyopathy (CMYO). Also called: Cardiomyopathies. Identifiers: Orphanet 167848, MedGen C0878544, MONDO:0004994, HP:0001638. Inheritance: Various modes of inheritance.

Submission:

Color Diagnostics, LLC DBA Color Health
Classification: Uncertain significance for Cardiomyopathy. Last evaluated: 2025-07-20. Review status: criteria provided, single submitter. Criteria: ACMG Guidelines, 2015. Collection method: clinical testing. Allele origin: germline.
Comment: This variant is located in the 5' untranslated region of the PKP2 gene. To our knowledge, functional studies have not been reported for this variant. This variant has not been reported in individuals affected with PKP2-related disorders in the literature. This variant has not been identified in the general population by the Genome Aggregation Database (gnomAD). The available evidence is insufficient to determine the role of this variant in disease conclusively. Therefore, this variant is classified as a Variant of Uncertain Significance.

NM_001005242.3(PKP2):c.-15del

Gene: PKP2 (plakophilin 2; minus strand). Cytogenetic location: 12p11.21.
Variant type: Deletion.
Coding change: c.-15del on transcript NM_001005242.3 (MANE Select); 15 bases upstream of the start codon, one base deleted (G; older notation c.-15delG).
Molecular consequence: 5 prime UTR variant.
Genome position (GRCh38, 1-based): chr12:32,896,746, C deleted on the plus strand (G on the coding strand, the reverse complement: PKP2 is on the minus strand). VCF-style (leftmost placement, unchanged base first): chr12-32896745-GC-G. GRCh37 (hg19) VCF-style: chr12-33049679-GC-G.
Other names: c.-15del (NM_001407155.1, NM_001407156.1, NM_001407157.1 and 2 more transcripts); c.-841del (NM_001407158.1, NM_001407162.1); c.-605del (NM_001407159.1, NM_001407160.1).
Identifiers: ClinVar variation 4758968 (VCV004758968.1).